The following is an entry in ClinVar:

ClinVar aggregate classification (germline): Uncertain significance. Review status: criteria provided, multiple submitters, no conflicts (2 of 4 stars). 2 submissions from 2 submitters: Uncertain significance (2). Last evaluated 2025-01-23.

Conditions:
Hereditary cancer-predisposing syndrome. Also called: Neoplastic Syndromes, Hereditary; Tumor predisposition; Hereditary neoplastic syndrome; Hereditary Cancer Syndrome. Identifiers: Orphanet 140162, MedGen C0027672, MeSH D009386, MONDO:0015356.
Familial cancer of breast. Also called: BREAST CANCER, FAMILIAL; Hereditary breast cancer; hereditary breast carcinoma. Identifiers: Orphanet 227535, MedGen C0346153, MONDO:0016419, OMIM 114480. Disease mechanism: loss of function.

Submissions (2):

Labcorp Genetics (formerly Invitae), Labcorp
Classification: Uncertain significance for Familial cancer of breast. Last evaluated: 2025-01-23. Review status: criteria provided, single submitter. Criteria: Invitae Variant Classification Sherloc (09022015). Collection method: clinical testing. Allele origin: germline.
Comment: This sequence change replaces lysine, which is basic and polar, with asparagine, which is neutral and polar, at codon 349 of the CHEK2 protein (p.Lys349Asn). This variant is not present in population databases (gnomAD no frequency). This variant has not been reported in the literature in individuals affected with CHEK2-related conditions. ClinVar contains an entry for this variant (Variation ID: 3226014). An algorithm developed to predict the effect of missense changes on protein structure and function (PolyPhen-2) suggests that this variant is likely to be disruptive. In summary, the available evidence is currently insufficient to determine the role of this variant in disease. Therefore, it has been classified as a Variant of Uncertain Significance.

Ambry Genetics
Classification: Uncertain significance for Hereditary cancer-predisposing syndrome. Last evaluated: 2023-12-08. Review status: criteria provided, single submitter. Criteria: Ambry Variant Classification Scheme 2023. Collection method: clinical testing. Allele origin: germline.
Comment: The p.K349N variant (also known as c.1047G>C), located in coding exon 9 of the CHEK2 gene, results from a G to C substitution at nucleotide position 1047. The lysine at codon 349 is replaced by asparagine, an amino acid with similar properties. This amino acid position is conserved. In addition, this alteration is predicted to be deleterious by in silico analysis. Since supporting evidence is limited at this time, the clinical significance of this alteration remains unclear.

NM_007194.4(CHEK2):c.1047G>C (p.Lys349Asn)

Gene: CHEK2 (checkpoint kinase 2; minus strand). Cytogenetic location: 22q12.1.
Variant type: single nucleotide variant.
Coding change: c.1047G>C on transcript NM_007194.4 (MANE Select); coding-DNA position 1047, G replaced by C.
Protein change: p.Lys349Asn; replaces lysine 349 with asparagine.
Molecular consequence: missense variant. On other transcripts: intron variant (3).
Genome position (GRCh38, 1-based): chr22:28,696,949, C>G on the plus strand (G>C on the coding strand, the complement: CHEK2 is on the minus strand). VCF-style: chr22-28696949-C-G. GRCh37 (hg19) VCF-style: chr22-29092937-C-G.
Other names: c.1176G>C, p.Lys392Asn (NM_001005735.3); c.384G>C, p.Lys128Asn (NM_001257387.3, NM_001437942.1); c.846G>C, p.Lys282Asn (NM_001349956.3); c.1140G>C, p.Lys380Asn (NM_001438293.1); c.1009-1076G>C (NM_145862.3); c.1102-1076G>C (NM_001438295.1); c.1138-1076G>C (NM_001438294.1); short protein forms K128N, K282N, K349N, K392N, K380N.
Identifiers: ClinVar variation 3226014 (VCV003226014.3), dbSNP rs2517821985, ClinGen allele CA411097690.
Genomic context (GRCh38, chr22:28,696,949, plus strand): 5'-CCAATTTCTTACCTTTATAAGACAGTCCTCTTCTTGAGATGACAGTAAAACATTCTCTGG[C>G]TTTAAGTCACGGTGTATAATACCGTTTTCATGAAGGTACTACACAGAAAGGCAGGCATGA-3'
Protein context (NP_009125.1, residues 339-359): HENGIIHRDL[Lys349Asn]PENVLLSSQE